The following is an entry in ClinVar:

NM_000465.4(BARD1):c.1024A>C (p.Ser342Arg)

Gene: BARD1 (BRCA1 associated RING domain 1; minus strand). Cytogenetic location: 2q35.
Variant type: single nucleotide variant.
Coding change: c.1024A>C on transcript NM_000465.4 (MANE Select); coding-DNA position 1024, A replaced by C.
Protein change: p.Ser342Arg; replaces serine 342 with arginine.
Molecular consequence: missense variant. On other transcripts: non-coding transcript variant (2), intron variant (3).
Genome position (GRCh38, 1-based): chr2:214,780,850, T>G on the plus strand (A>C on the coding strand, the complement: BARD1 is on the minus strand). VCF-style: chr2-214780850-T-G. GRCh37 (hg19) VCF-style: chr2-215645574-T-G.
Other names: c.967A>C, p.Ser323Arg (NM_001282543.2); c.159-28295A>C (NM_001282548.2); c.215+16211A>C (NM_001282545.2); c.364+11447A>C (NM_001282549.2); c.1024A>C (NM_000465.2); short protein forms S323R, S342R.
Identifiers: ClinVar variation 651243 (VCV000651243.11), dbSNP rs1574817878, ClinGen allele CA350454307.

ClinVar aggregate classification (germline): Uncertain significance. Review status: criteria provided, multiple submitters, no conflicts (2 of 4 stars). 2 submissions from 2 submitters: Uncertain significance (2). Last evaluated 2024-03-06.

Conditions:
Hereditary cancer-predisposing syndrome. Also called: Neoplastic Syndromes, Hereditary; Tumor predisposition; Hereditary Cancer Syndrome; Hereditary neoplastic syndrome. Identifiers: Orphanet 140162, MedGen C0027672, MeSH D009386, MONDO:0015356.
Familial cancer of breast. Also called: hereditary breast carcinoma; BREAST CANCER, FAMILIAL; Hereditary breast cancer. Identifiers: Orphanet 227535, MedGen C0346153, MONDO:0016419, OMIM 114480. Disease mechanism: loss of function.

Submissions (2):

Labcorp Genetics (formerly Invitae), Labcorp
Classification: Uncertain significance for Familial cancer of breast. Last evaluated: 2024-03-06. Review status: criteria provided, single submitter. Criteria: Invitae Variant Classification Sherloc (09022015). Collection method: clinical testing. Allele origin: germline.
Comment: This sequence change replaces serine, which is neutral and polar, with arginine, which is basic and polar, at codon 342 of the BARD1 protein (p.Ser342Arg). This variant is not present in population databases (gnomAD no frequency). This variant has not been reported in the literature in individuals affected with BARD1-related conditions. ClinVar contains an entry for this variant (Variation ID: 651243). Algorithms developed to predict the effect of missense changes on protein structure and function output the following: SIFT: "Not Available"; PolyPhen-2: "Benign"; Align-GVGD: "Not Available". The arginine amino acid residue is found in multiple mammalian species, which suggests that this missense change does not adversely affect protein function. In summary, the available evidence is currently insufficient to determine the role of this variant in disease. Therefore, it has been classified as a Variant of Uncertain Significance.

Ambry Genetics
Classification: Uncertain significance for Hereditary cancer-predisposing syndrome. Last evaluated: 2023-04-24. Review status: criteria provided, single submitter. Criteria: Ambry Variant Classification Scheme 2023. Collection method: clinical testing. Allele origin: germline.
Comment: The p.S342R variant (also known as c.1024A>C), located in coding exon 4 of the BARD1 gene, results from an A to C substitution at nucleotide position 1024. The serine at codon 342 is replaced by arginine, an amino acid with dissimilar properties. This amino acid position is poorly conserved in available vertebrate species. In addition, this alteration is predicted to be tolerated by in silico analysis. Since supporting evidence is limited at this time, the clinical significance of this alteration remains unclear.